The following is an entry in ClinVar:

ClinVar aggregate classification (germline): Pathogenic/Likely pathogenic. Review status: criteria provided, multiple submitters, no conflicts (2 of 4 stars). 6 submissions from 6 submitters: Pathogenic (3); Likely pathogenic (3). Last evaluated 2026-04-17.

Conditions:
PSAP-related disorder. Also called: PSAP-related condition.
Parkinson disease 24, autosomal dominant, susceptibility to. Identifiers: MedGen C5561969, MONDO:0859183, OMIM 619491.
Sphingolipid activator protein 1 deficiency. Also called: Saposin B Deficiency; Metachromatic leukodystrophy due to saposin B deficiency; METACHROMATIC LEUKODYSTROPHY DUE TO CEREBROSIDE SULFATASE ACTIVATOR DEFICIENCY. Identifiers: Orphanet 512, MedGen C0268262, MONDO:0009590, OMIM 249900.
Krabbe disease due to saposin A deficiency. Also called: KRABBE DISEASE, ATYPICAL, DUE TO SAPOSIN A DEFICIENCY; Saposin A Deficiency. Identifiers: Orphanet 487, MedGen C2673266, MONDO:0012720, OMIM 611722.
Gaucher disease due to saposin C deficiency. Also called: Saposin C Deficiency; Atypical Gaucher disease due to saposin C deficiency. Identifiers: Orphanet 309252, Orphanet 355, MedGen C1864651, MONDO:0012517, OMIM 610539.
Combined PSAP deficiency (PSAPD). Also called: Encephalopathy due to prosaposin deficiency; COMBINED SAP DEFICIENCY; PROSAPOSIN DEFICIENCY. Identifiers: Orphanet 139406, MedGen C2673635, MONDO:0012719, OMIM 611721.
Metachromatic leukodystrophy (MLD). Also called: Arylsulfatase A Deficiency; SULFATIDE LIPIDOSIS; Cerebral sclerosis diffuse metachromatic form; ARSA DEFICIENCY; CEREBROSIDE SULFATASE DEFICIENCY; METACHROMATIC LEUKOENCEPHALOPATHY. Identifiers: Orphanet 512, MedGen C0023522, MONDO:0018868, OMIM 250100.

Allele frequency attached by ClinVar (database versions not stated): gnomAD exomes 0.00002; ExAC 0.00005.

Submissions (6):

GeneDx
Classification: Pathogenic. Last evaluated: 2026-04-17. Review status: criteria provided, single submitter. Criteria: GeneDx Variant Classification Process June 2021. Collection method: clinical testing. Allele origin: germline.
Comment: Not observed at significant frequency in large population cohorts (gnomAD); In silico analysis supports that this missense variant has a deleterious effect on protein structure/function; This variant is associated with the following publications: (PMID: 26462614, 33326653, 10196694, 18693274, 41334784, 37404680, 40890973, 31289144, 17616409)

Natera, Inc.
Classification: Likely pathogenic for Metachromatic leukodystrophy. Last evaluated: 2026-01-21. Review status: criteria provided, single submitter. Criteria: Natera Variant Classification Schema (03/2026). Collection method: clinical testing. Allele origin: germline.
Comment: The c.645C>A variant in PSAP is a missense variant predicted to cause substitution of asparagine to lysine at amino acid 215. This variant is rare in the general population with a frequency below the threshold expected for the associated phenotype(s). This variant has been observed in one or more individuals affected with the associated recessive disease, as either homozygous or compound heterozygous with a second variant (PMID: 10196694, 18693274, 17616409). Computational prediction algorithms indicate this variant is likely to affect gene or protein function. Given the available evidence, this variant is classified as Likely Pathogenic.

Blueprint Genetics
Classification: Pathogenic for PSAP-related disorders. Last evaluated: 2024-08-05. Review status: criteria provided, single submitter. Criteria: ACMG Guidelines, 2015. Collection method: clinical testing. Allele origin: germline. Affected: yes. Observed: 1 variant allele.

Fulgent Genetics
Classification: Likely pathogenic for Sphingolipid activator protein 1 deficiency; Gaucher disease due to saposin C deficiency; Combined PSAP deficiency; Krabbe disease due to saposin A deficiency; Parkinson disease 24, autosomal dominant, susceptibility to. Last evaluated: 2024-01-29. Review status: criteria provided, single submitter. Criteria: ACMG Guidelines, 2015. Collection method: clinical testing. Allele origin: germline.

Labcorp Genetics (formerly Invitae), Labcorp
Classification: Pathogenic for Sphingolipid activator protein 1 deficiency. Last evaluated: 2023-09-13. Review status: criteria provided, single submitter. Criteria: Invitae Variant Classification Sherloc (09022015). Collection method: clinical testing. Allele origin: germline.
Comment: This variant is present in population databases (rs770171865, gnomAD 0.006%). This missense change has been observed in individual(s) with atypical metachromatic leukodystrophy due to saposin B deficiency (PMID: 10196694, 17616409, 18693274, 26462614). In at least one individual the data is consistent with being in trans (on the opposite chromosome) from a pathogenic variant. ClinVar contains an entry for this variant (Variation ID: 857581). Advanced modeling of protein sequence and biophysical properties (such as structural, functional, and spatial information, amino acid conservation, physicochemical variation, residue mobility, and thermodynamic stability) performed at Invitae indicates that this missense variant is expected to disrupt PSAP protein function. For these reasons, this variant has been classified as Pathogenic. This sequence change replaces asparagine, which is neutral and polar, with lysine, which is basic and polar, at codon 215 of the PSAP protein (p.Asn215Lys).

Department of Pathology and Laboratory Medicine, Sinai Health System
Classification: Likely pathogenic for Parkinson disease 24, autosomal dominant, susceptibility to. Last evaluated: 2021-10-27. Review status: criteria provided, single submitter. Criteria: ACMG Guidelines, 2015. Collection method: research. Allele origin: germline.

Literature cited by the submitters: PubMed 10196694 (cited by Natera, Inc. and Labcorp Genetics (formerly Invitae), Labcorp); PubMed 18693274 (cited by Natera, Inc. and Labcorp Genetics (formerly Invitae), Labcorp); PubMed 17616409 (cited by Natera, Inc. and Labcorp Genetics (formerly Invitae), Labcorp); PubMed 26462614 (cited by Labcorp Genetics (formerly Invitae), Labcorp).

NM_002778.4(PSAP):c.645C>A (p.Asn215Lys)

Gene: PSAP (prosaposin; minus strand). Cytogenetic location: 10q22.1.
Variant type: single nucleotide variant.
Coding change: c.645C>A on transcript NM_002778.4 (MANE Select); coding-DNA position 645, C replaced by A.
Protein change: p.Asn215Lys; replaces asparagine 215 with lysine.
Molecular consequence: missense variant.
Genome position (GRCh38, 1-based): chr10:71,828,089, G>T on the plus strand (C>A on the coding strand, the complement: PSAP is on the minus strand). VCF-style: chr10-71828089-G-T. GRCh37 (hg19) VCF-style: chr10-73587846-G-T.
Other names: c.645C>A, p.Asn215Lys (NM_001042465.3, NM_001042466.3); c.645C>A (NM_002778.2); short protein forms N215K.
Identifiers: ClinVar variation 857581 (VCV000857581.16), dbSNP rs770171865, ClinGen allele CA5547708.